The following is an entry in ClinVar:

NM_014251.3(SLC25A13):c.675G>A (p.Ser225=)

Gene: SLC25A13 (solute carrier family 25 member 13; minus strand). Cytogenetic location: 7q21.3.
Variant type: single nucleotide variant.
Coding change: c.675G>A on transcript NM_014251.3 (MANE Select); coding-DNA position 675, G replaced by A.
Protein change: p.Ser225=; no amino-acid change (serine 225 retained).
Molecular consequence: synonymous variant. On other transcripts: non-coding transcript variant (1).
Genome position (GRCh38, 1-based): chr7:96,191,188, C>T on the plus strand (G>A on the coding strand, the complement: SLC25A13 is on the minus strand). VCF-style: chr7-96191188-C-T. GRCh37 (hg19) VCF-style: chr7-95820500-C-T.
Other names: p.Ser225=; c.675G>A, p.Ser225= (NM_001160210.2).
Identifiers: ClinVar variation 361025 (VCV000361025.21), dbSNP rs78247004, ClinGen allele CA4353196.

ClinVar aggregate classification (germline): Benign/Likely benign. Review status: criteria provided, multiple submitters, no conflicts (2 of 4 stars). 6 submissions from 6 submitters: Benign (4); Likely benign (1). 1 of the submissions does not count toward it. Last evaluated 2026-01-28.

Conditions:
Citrullinemia. Identifiers: Orphanet 187, MedGen C0175683, MONDO:0015991.
Citrin deficiency. Identifiers: Orphanet 247582, MedGen C1997910, MONDO:0016602.
Citrullinemia type II. Also called: Citrullinemia Type II (CTLN2). Identifiers: Orphanet 247585, MedGen C1863844, MONDO:0016603.

Allele frequency attached by ClinVar (database versions not stated): ExAC 0.00334; gnomAD 0.00954 and 0.01022; TOPMed 0.01046; 1000 Genomes Project 0.01158; 1000 Genomes Project 30x 0.01234; ESP Exome Variant Server 0.01238.
gnomAD v4.1: 2,930 of 1,613,758 alleles (0.18%); highest among the groups gnomAD compares: African/African-American, 3.4%; 41 homozygotes.

Submissions (6):

Labcorp Genetics (formerly Invitae), Labcorp
Classification: Benign for Citrin deficiency. Last evaluated: 2026-01-28. Review status: criteria provided, single submitter. Criteria: Invitae Variant Classification Sherloc (09022015). Collection method: clinical testing. Allele origin: germline.

Mayo Clinic Laboratories, Mayo Clinic
Classification: Benign. Last evaluated: 2021-07-16. Review status: criteria provided, single submitter. Criteria: ACMG Guidelines, 2015. Collection method: clinical testing. Allele origin: germline. Observed: 11 variant alleles.

Illumina Laboratory Services, Illumina
Classification: Benign for Citrullinemia, type II, adult-onset. Last evaluated: 2018-01-12. Review status: criteria provided, single submitter. Criteria: ICSL Variant Classification Criteria 13 December 2019. Collection method: clinical testing. Allele origin: germline.
Comment: This variant was observed in the ICSL laboratory as part of a predisposition screen in an ostensibly healthy population. It had not been previously curated by ICSL or reported in the Human Gene Mutation Database (HGMD: prior to June 1st, 2018), and was therefore a candidate for classification through an automated scoring system. Utilizing variant allele frequency, disease prevalence and penetrance estimates, and inheritance mode, an automated score was calculated to assess if this variant is too frequent to cause the disease. Based on the score and internal cut-off values, a variant classified as benign is not then subjected to further curation. The score for this variant resulted in a classification of benign for this disease.

GeneDx
Classification: Benign. Last evaluated: 2016-02-22. Review status: criteria provided, single submitter. Criteria: GeneDx Variant Classification (06012015). Collection method: clinical testing. Allele origin: germline. Affected: yes.
Comment: This variant is considered likely benign or benign based on one or more of the following criteria: it is a conservative change, it occurs at a poorly conserved position in the protein, it is predicted to be benign by multiple in silico algorithms, and/or has population frequency not consistent with disease.

Breakthrough Genomics
Classification: Likely benign. Review status: criteria provided, single submitter. Criteria: ACMG Guidelines, 2015. Collection method: not provided. Allele origin: germline. Inheritance: Autosomal recessive inheritance. Affected: yes.

Natera, Inc.
Classification: Benign for Citrullinemia. Last evaluated: 2020-09-16. Review status: no assertion criteria provided. Collection method: clinical testing. Allele origin: germline. Not counted in ClinVar's aggregate classification.